The following is an entry in ClinVar:

ClinVar aggregate classification (germline): Uncertain significance (1 of 4 stars; one submission).

Conditions:
Hereditary cancer-predisposing syndrome. Also called: Neoplastic Syndromes, Hereditary; Tumor predisposition; Hereditary neoplastic syndrome; Hereditary Cancer Syndrome. Identifiers: Orphanet 140162, MedGen C0027672, MeSH D009386, MONDO:0015356.

Submission:

Ambry Genetics
Classification: Uncertain significance for Hereditary cancer-predisposing syndrome. Last evaluated: 2024-03-08. Review status: criteria provided, single submitter. Criteria: Ambry Variant Classification Scheme 2023. Collection method: clinical testing. Allele origin: germline.
Comment: The c.3201delT variant, located in coding exon 14 of the MET gene, results from a deletion of one nucleotide at nucleotide position 3201, causing a translational frameshift with a predicted alternate stop codon (p.N1067Kfs*10). This alteration is expected to result in protein truncation or nonsense-mediated mRNA decay. However, loss of function of MET has not been established as a mechanism of disease. Based on the available evidence, the clinical significance of this alteration remains unclear.

NM_000245.4(MET):c.3147del (p.Asn1049fs)

Gene: MET (MET proto-oncogene, receptor tyrosine kinase; plus strand). Cytogenetic location: 7q31.2.
Variant type: Deletion.
Coding change: c.3147del on transcript NM_000245.4 (MANE Select); coding-DNA position 3147, one base deleted (T; older notation c.3147delT).
Protein change: p.Asn1049fs; shifts the reading frame from asparagine 1049.
Molecular consequence: frameshift variant.
Genome position (GRCh38, 1-based): chr7:116,774,999, T deleted. VCF-style (leftmost placement, unchanged base first): chr7-116774998-AT-A. GRCh37 (hg19) VCF-style: chr7-116415052-AT-A.
Other names: c.3201del, p.Asn1067fs (NM_001127500.3); c.1857del, p.Asn619fs (NM_001324402.2); short protein forms N1049fs, N1067fs, N619fs.
Identifiers: ClinVar variation 3232972 (VCV003232972.1), dbSNP rs2485806669, ClinGen allele CA2825001509.